The following is an entry in ClinVar:

NM_152703.5(SAMD9L):c.3100G>A (p.Asp1034Asn)

Gene: SAMD9L (sterile alpha motif domain containing 9 like; minus strand). Cytogenetic location: 7q21.2.
Variant type: single nucleotide variant.
Coding change: c.3100G>A on transcript NM_152703.5 (MANE Select); coding-DNA position 3100, G replaced by A.
Protein change: p.Asp1034Asn; replaces aspartic acid 1034 with asparagine.
Molecular consequence: missense variant.
Genome position (GRCh38, 1-based): chr7:93,132,872, C>T on the plus strand (G>A on the coding strand, the complement: SAMD9L is on the minus strand). VCF-style: chr7-93132872-C-T. GRCh37 (hg19) VCF-style: chr7-92762185-C-T.
Other names: c.3100G>A, p.Asp1034Asn (NM_001303496.3, NM_001303497.3, NM_001303498.3 and 5 more transcripts); c.3100G>A (NM_152703.2); short protein forms D1034N.
Identifiers: ClinVar variation 1394671 (VCV001394671.9), dbSNP rs771545175, ClinGen allele CA4343506.
Genomic context (GRCh38, chr7:93,132,872, plus strand): 5'-GAGTGTCTGTTTCATCTCCATACACCTTGCGCTGTCTTGTAAGCAGAAGAGTTTGAACAT[C>T]ATGTTGAAATTTGTCTCTTCCTATTCCAGAATCATAGAATAAATTCTCTTCTAATATATT-3'
Protein context (NP_689916.2, residues 1024-1044): SGIGRDKFQH[Asp1034Asn]VQTLLLTRQR

ClinVar aggregate classification (germline): Uncertain significance. Review status: criteria provided, multiple submitters, no conflicts (2 of 4 stars). 2 submissions from 2 submitters: Uncertain significance (2). Last evaluated 2025-07-21.

Conditions:
Inborn genetic diseases. Identifiers: MedGen C0950123, MeSH D030342.

Allele frequency attached by ClinVar (database versions not stated): ExAC 0.00002; gnomAD exomes 0.00002 and 0.00003; TOPMed 0.00003.
gnomAD v4.1: 22 of 1,613,708 alleles (0.0014%); highest among the groups gnomAD compares: East Asian, 0.045%; no homozygotes.

Submissions (2):

Labcorp Genetics (formerly Invitae), Labcorp
Classification: Uncertain significance. Last evaluated: 2025-07-21. Review status: criteria provided, single submitter. Criteria: Invitae Variant Classification Sherloc (09022015). Collection method: clinical testing. Allele origin: germline.
Comment: This sequence change replaces aspartic acid, which is acidic and polar, with asparagine, which is neutral and polar, at codon 1034 of the SAMD9L protein (p.Asp1034Asn). This variant is present in population databases (rs771545175, gnomAD 0.04%). This variant has not been reported in the literature in individuals affected with SAMD9L-related conditions. ClinVar contains an entry for this variant (Variation ID: 1394671). Invitae Evidence Modeling of protein sequence and biophysical properties (such as structural, functional, and spatial information, amino acid conservation, physicochemical variation, residue mobility, and thermodynamic stability) indicates that this missense variant is not expected to disrupt SAMD9L protein function with a negative predictive value of 80%. In summary, the available evidence is currently insufficient to determine the role of this variant in disease. Therefore, it has been classified as a Variant of Uncertain Significance.

Ambry Genetics
Classification: Uncertain significance for Inborn genetic diseases. Last evaluated: 2025-05-25. Review status: criteria provided, single submitter. Criteria: Ambry Variant Classification Scheme 2023. Collection method: clinical testing. Allele origin: germline.